The following is an entry in ClinVar:

NM_002878.4(RAD51D):c.738+131G>T

Genes: RAD51D (RAD51 paralog D; minus strand), RAD51L3-RFFL (RAD51L3-RFFL readthrough; minus strand). Cytogenetic location: 17q12.
Variant type: single nucleotide variant.
Coding change: c.738+131G>T on transcript NM_002878.4 (MANE Select); 131 bases into the intron after coding-DNA position 738, G replaced by T.
Molecular consequence: intron variant.
Genome position (GRCh38, 1-based): chr17:35,103,123, C>A on the plus strand (G>T on the coding strand, the complement: RAD51D is on the minus strand). VCF-style: chr17-35103123-C-A. GRCh37 (hg19) VCF-style: chr17-33430142-C-A.
Other names: c.402+131G>T (NM_133629.3); c.798+131G>T (NM_001142571.2).
Identifiers: ClinVar variation 676528 (VCV000676528.2), dbSNP rs28363285, ClinGen allele CA14463571.

ClinVar aggregate classification (germline): Benign. Review status: criteria provided, multiple submitters, no conflicts (2 of 4 stars). 2 submissions from 2 submitters: Benign (2). Last evaluated 2018-06-16.

Allele frequency attached by ClinVar (database versions not stated): 1000 Genomes Project 30x 0.03186; gnomAD 0.02447; TOPMed 0.02745; 1000 Genomes Project 0.03055.
gnomAD v4.1: 6,744 of 815,964 alleles (0.83%); highest among the groups gnomAD compares: African/African-American, 8.4%; 231 homozygotes.

Submissions (2):

GeneDx
Classification: Benign. Last evaluated: 2018-06-16. Review status: criteria provided, single submitter. Criteria: GeneDx Variant Classification (06012015). Collection method: clinical testing. Allele origin: germline. Affected: yes.
Comment: This variant is considered likely benign or benign based on one or more of the following criteria: it is a conservative change, it occurs at a poorly conserved position in the protein, it is predicted to be benign by multiple in silico algorithms, and/or has population frequency not consistent with disease.

Breakthrough Genomics
Classification: Benign. Review status: criteria provided, single submitter. Criteria: ACMG Guidelines, 2015. Collection method: not provided. Allele origin: germline. Inheritance: Unknown mechanism. Affected: yes.